The following is an entry in ClinVar:

ClinVar aggregate classification (germline): Benign. Review status: criteria provided, single submitter (1 of 4 stars). 2 submissions from 2 submitters: Benign (1). 1 of the submissions does not count toward it. Last evaluated 2025-09-21.

Conditions:
NRIP1-related disorder. Also called: NRIP1-related condition.

Allele frequency attached by ClinVar (database versions not stated): gnomAD 0.00011; TOPMed 0.00029; ExAC 0.00061.
gnomAD v4.1: 194 of 1,597,544 alleles (0.012%); highest among the groups gnomAD compares: Admixed American, 0.33%; 1 homozygote.

Submissions (2):

Labcorp Genetics (formerly Invitae), Labcorp
Classification: Benign. Last evaluated: 2025-09-21. Review status: criteria provided, single submitter. Criteria: Invitae Variant Classification Sherloc (09022015). Collection method: clinical testing. Allele origin: germline.

PreventionGenetics, part of Exact Sciences
Classification: Likely benign for NRIP1-related condition. Last evaluated: 2019-07-16. Review status: no assertion criteria provided. Collection method: clinical testing. Allele origin: germline. Not counted in ClinVar's aggregate classification.
Comment: This variant is classified as likely benign based on ACMG/AMP sequence variant interpretation guidelines (Richards et al. 2015 PMID: 25741868, with internal and published modifications).

NM_003489.4(NRIP1):c.3414C>T (p.Ser1138=)

Gene: NRIP1 (nuclear receptor interacting protein 1; minus strand). Cytogenetic location: 21q11.2.
Variant type: single nucleotide variant.
Coding change: c.3414C>T on transcript NM_003489.4 (MANE Select); coding-DNA position 3414, C replaced by T.
Protein change: p.Ser1138=; no amino-acid change (serine 1138 retained).
Molecular consequence: synonymous variant.
Genome position (GRCh38, 1-based): chr21:14,964,779, G>A on the plus strand (C>T on the coding strand, the complement: NRIP1 is on the minus strand). VCF-style: chr21-14964779-G-A. GRCh37 (hg19) VCF-style: chr21-16337100-G-A.
Other names: c.3414C>T (NM_003489.3).
Identifiers: ClinVar variation 2063809 (VCV002063809.6), dbSNP rs751193971, ClinGen allele CA9980958.